The following is an entry in ClinVar:

ClinVar aggregate classification (germline): Benign/Likely benign. Review status: criteria provided, multiple submitters, no conflicts (2 of 4 stars). 6 submissions from 6 submitters: Benign (2); Likely benign (2). 2 of the submissions do not count toward it. Last evaluated 2026-01-05.

Conditions:
Fanconi anemia complementation group P. Also called: SLX4-Related Fanconi Anemia. Identifiers: Orphanet 84, MedGen C3469542, MONDO:0013499, OMIM 613951.
Fanconi anemia (FA). Also called: Fanconi's anemia. Identifiers: Orphanet 84, MedGen C0015625, MeSH D005199, MONDO:0019391.
SLX4-related disorder. Also called: SLX4-related condition.

Allele frequency attached by ClinVar (database versions not stated): TOPMed 0.00026; 1000 Genomes Project 0.00100; 1000 Genomes Project 30x 0.00109; ESP Exome Variant Server 0.00008; gnomAD 0.00015 and 0.00018.
gnomAD v4.1: 334 of 1,613,998 alleles (0.021%); highest among the groups gnomAD compares: East Asian, 0.48%; 1 homozygote.

Submissions (6):

Labcorp Genetics (formerly Invitae), Labcorp
Classification: Benign for Fanconi anemia. Last evaluated: 2026-01-05. Review status: criteria provided, single submitter. Criteria: Invitae Variant Classification Sherloc (09022015). Collection method: clinical testing. Allele origin: germline.

CeGaT Center for Human Genetics Tuebingen
Classification: Likely benign. Last evaluated: 2025-05-01. Review status: criteria provided, single submitter. Criteria: CeGaT Center For Human Genetics Tuebingen Variant Classification Criteria Version 2. Collection method: clinical testing. Allele origin: germline. Affected: yes. Observed: 1 variant allele.
Comment: SLX4: BP4, BP7

KCCC/NGS Laboratory, Kuwait Cancer Control Center
Classification: Benign for Fanconi anemia complementation group P. Last evaluated: 2025-02-01. Review status: criteria provided, single submitter. Criteria: ACMG Guidelines, 2015. Collection method: clinical testing. Allele origin: germline. Affected: no.

Blueprint Genetics
Classification: Likely benign. Last evaluated: 2024-11-20. Review status: criteria provided, single submitter. Criteria: ACMG Guidelines, 2015. Collection method: clinical testing. Allele origin: germline.

PreventionGenetics, part of Exact Sciences
Classification: Benign for SLX4-related condition. Last evaluated: 2019-03-13. Review status: no assertion criteria provided. Collection method: clinical testing. Allele origin: germline. Not counted in ClinVar's aggregate classification.
Comment: This variant is classified as benign based on ACMG/AMP sequence variant interpretation guidelines (Richards et al. 2015 PMID: 25741868, with internal and published modifications).

Leiden Open Variation Database
Classification: Likely benign. Last evaluated: 2012-08-31. Review status: no assertion criteria provided. Collection method: curation. Allele origin: germline. Affected: yes. Not counted in ClinVar's aggregate classification.
Comment: Curator: Arleen D. Auerbach. Submitter to LOVD: Janine Bakker.

Literature cited by the submitters: PubMed 22911665 (cited by Leiden Open Variation Database).

NM_032444.4(SLX4):c.3315C>T (p.Ser1105=)

Gene: SLX4 (SLX4 structure-specific endonuclease subunit; minus strand). Cytogenetic location: 16p13.3.
Variant type: single nucleotide variant.
Coding change: c.3315C>T on transcript NM_032444.4 (MANE Select); coding-DNA position 3315, C replaced by T.
Protein change: p.Ser1105=; no amino-acid change (serine 1105 retained).
Molecular consequence: synonymous variant.
Genome position (GRCh38, 1-based): chr16:3,590,323, G>A on the plus strand (C>T on the coding strand, the complement: SLX4 is on the minus strand). VCF-style: chr16-3590323-G-A. GRCh37 (hg19) VCF-style: chr16-3640324-G-A.
Other names: c.3315C>T (NM_032444.3, LRG_503t1).
Identifiers: ClinVar variation 456309 (VCV000456309.27), dbSNP rs183029626, ClinGen allele CA7865944.